The following is an entry in ClinVar:

NM_000094.4(COL7A1):c.3056A>G (p.Glu1019Gly)

Gene: COL7A1 (collagen type VII alpha 1 chain; minus strand). Cytogenetic location: 3p21.31.
Variant type: single nucleotide variant.
Coding change: c.3056A>G on transcript NM_000094.4 (MANE Select); coding-DNA position 3056, A replaced by G.
Protein change: p.Glu1019Gly; replaces glutamic acid 1019 with glycine.
Molecular consequence: missense variant.
Genome position (GRCh38, 1-based): chr3:48,587,273, T>C on the plus strand (A>G on the coding strand, the complement: COL7A1 is on the minus strand). VCF-style: chr3-48587273-T-C. GRCh37 (hg19) VCF-style: chr3-48624706-T-C.
Other names: short protein forms E1019G.
Identifiers: ClinVar variation 3635682 (VCV003635682.2).

ClinVar aggregate classification (germline): Uncertain significance (1 of 4 stars; one submission).

Submission:

Labcorp Genetics (formerly Invitae), Labcorp
Classification: Uncertain significance. Last evaluated: 2024-05-27. Review status: criteria provided, single submitter. Criteria: Invitae Variant Classification Sherloc (09022015). Collection method: clinical testing. Allele origin: germline.
Comment: This sequence change replaces glutamic acid, which is acidic and polar, with glycine, which is neutral and non-polar, at codon 1019 of the COL7A1 protein (p.Glu1019Gly). This variant is not present in population databases (gnomAD no frequency). This variant has not been reported in the literature in individuals affected with COL7A1-related conditions. Advanced modeling of protein sequence and biophysical properties (such as structural, functional, and spatial information, amino acid conservation, physicochemical variation, residue mobility, and thermodynamic stability) performed at Invitae indicates that this missense variant is not expected to disrupt COL7A1 protein function with a negative predictive value of 95%. In summary, the available evidence is currently insufficient to determine the role of this variant in disease. Therefore, it has been classified as a Variant of Uncertain Significance.